The following is an entry in ClinVar:

NM_000492.4(CFTR):c.2573del (p.Ser858fs)

Gene: CFTR (CF transmembrane conductance regulator; plus strand). Cytogenetic location: 7q31.2.
Variant type: Deletion.
Coding change: c.2573del on transcript NM_000492.4 (MANE Select); coding-DNA position 2573, one base deleted (G; older notation c.2573delG).
Protein change: p.Ser858fs; shifts the reading frame from serine 858.
Molecular consequence: frameshift variant.
Genome position (GRCh38, 1-based): chr7:117,595,012, G deleted. VCF-style (leftmost placement, unchanged base first): chr7-117595011-AG-A. GRCh37 (hg19) VCF-style: chr7-117235065-AG-A.
Other names: c.2573delG (NM_000492.3); short protein forms S858fs.
Identifiers: ClinVar variation 633170 (VCV000633170.5), dbSNP rs1562908997, ClinGen allele CA913190197.
Genomic context (GRCh38, chr7:117,595,011, plus strand): 5'-GAGAGCATACCAGCAGTGACTACATGGAACACATACCTTCGATATATTACTGTCCACAAG[AG>A]CTTAATTTTTGTGCTAATTTGGTGCTTAGTAATTTTTCTGGCAGAGGTAAGAATGTTCTA-3'

ClinVar aggregate classification (germline): Pathogenic/Likely pathogenic. Review status: criteria provided, multiple submitters, no conflicts (2 of 4 stars). 3 submissions from 3 submitters: Pathogenic (1); Likely pathogenic (2). Last evaluated 2024-10-14.

Conditions:
CFTR-related disorder (CFTR-RD). Also called: CFTR-related condition; CFTR-related disorders. Identifiers: MedGen C5924204, MONDO:7770004.
Cystic fibrosis (CF). Also called: MUCOVISCIDOSIS. Identifiers: Orphanet 586, MedGen C0010674, MONDO:0009061, OMIM 219700. Disease mechanism: loss of function.
Bronchiectasis with or without elevated sweat chloride 1 (BESC1). Also called: Cystic Fibrosis-Like Syndrome. Identifiers: Orphanet 60033, MedGen C2749757, MONDO:0008887, OMIM 211400.

Submissions (3):

Natera, Inc.
Classification: Likely pathogenic for CFTR-related disorders. Last evaluated: 2024-10-14. Review status: criteria provided, single submitter. Criteria: Natera Variant Classification Schema (03/2026). Collection method: clinical testing. Allele origin: germline.
Comment: The c.2573delG variant in CFTR is a frameshift variant predicted to shift the reading frame beginning at codon 858 and leads to a stop codon 2 codons downstream. This variant is expected to result in nonsense mediated decay, truncation, or a dysfunctional protein product. This variant is rare in the general population with a frequency below the threshold expected for the associated phenotype(s). Given the available evidence, this variant is classified as Likely Pathogenic.

Baylor Genetics
Classification: Likely pathogenic for Bronchiectasis with or without elevated sweat chloride 1. Last evaluated: 2023-09-30. Review status: criteria provided, single submitter. Criteria: ACMG Guidelines, 2015. Collection method: clinical testing. Allele origin: unknown.

Women's Health and Genetics/Laboratory Corporation of America, LabCorp
Classification: Pathogenic for Cystic fibrosis. Last evaluated: 2023-07-10. Review status: criteria provided, single submitter. Criteria: LabCorp Variant Classification Summary - May 2015. Collection method: clinical testing. Allele origin: germline.
Comment: Variant summary: CFTR c.2573delG (p.Ser858ThrfsX2) results in a premature termination codon, predicted to cause absence of the protein due to nonsense mediated decay, a commonly known mechanism for disease. The variant was absent in 251324 control chromosomes (gnomAD). To our knowledge, no occurrence of c.2573delG in individuals affected with Cystic Fibrosis and no experimental evidence demonstrating its impact on protein function have been reported. One submitter has provided a clinical-significance assessment for this variant to ClinVar after 2014 and has classified the variant as likely pathogenic. Based on the evidence outlined above, the variant was classified as pathogenic.